The following is an entry in ClinVar:

ClinVar aggregate classification (germline): Uncertain significance (1 of 4 stars; one submission).

Conditions:
Hereditary cancer-predisposing syndrome. Also called: Hereditary Cancer Syndrome; Hereditary neoplastic syndrome; Neoplastic Syndromes, Hereditary; Tumor predisposition. Identifiers: Orphanet 140162, MedGen C0027672, MeSH D009386, MONDO:0015356.

Submission:

Ambry Genetics
Classification: Uncertain significance for Hereditary cancer-predisposing syndrome. Last evaluated: 2025-05-03. Review status: criteria provided, single submitter. Criteria: Ambry Variant Classification Scheme 2023. Collection method: clinical testing. Allele origin: germline.
Comment: The p.M899L variant (also known as c.2695A>T), located in coding exon 20 of the MSH3 gene, results from an A to T substitution at nucleotide position 2695. The methionine at codon 899 is replaced by leucine, an amino acid with highly similar properties. This amino acid position is conserved. In addition, this alteration is predicted to be deleterious by in silico analysis. Based on the available evidence, the clinical significance of this variant remains unclear.

NM_002439.5(MSH3):c.2695A>T (p.Met899Leu)

Gene: MSH3 (mutS homolog 3; plus strand). Cytogenetic location: 5q14.1.
Variant type: single nucleotide variant.
Coding change: c.2695A>T on transcript NM_002439.5 (MANE Select); coding-DNA position 2695, A replaced by T.
Protein change: p.Met899Leu; replaces methionine 899 with leucine.
Molecular consequence: missense variant.
Genome position (GRCh38, 1-based): chr5:80,813,623, A>T. VCF-style: chr5-80813623-A-T. GRCh37 (hg19) VCF-style: chr5-80109442-A-T.
Other names: short protein forms M899L.
Identifiers: ClinVar variation 3913635 (VCV003913635.1).